The following is an entry in ClinVar:

NM_006302.3(MOGS):c.12C>G (p.Gly4=)

Gene: MOGS (mannosyl-oligosaccharide glucosidase; minus strand). Cytogenetic location: 2p13.1.
Variant type: single nucleotide variant.
Coding change: c.12C>G on transcript NM_006302.3 (MANE Select); coding-DNA position 12, C replaced by G.
Protein change: p.Gly4=; no amino-acid change (glycine 4 retained).
Molecular consequence: synonymous variant. On other transcripts: intron variant (1).
Genome position (GRCh38, 1-based): chr2:74,465,236, G>C on the plus strand (C>G on the coding strand, the complement: MOGS is on the minus strand). VCF-style: chr2-74465236-G-C. GRCh37 (hg19) VCF-style: chr2-74692363-G-C.
Other names: c.12C>G, p.Gly4= (LRG_1226t1); c.-59+78C>G (NM_001146158.2).
Identifiers: ClinVar variation 384985 (VCV000384985.39), dbSNP rs555329045, ClinGen allele CA1725132.

ClinVar aggregate classification (germline): Benign/Likely benign. Review status: criteria provided, multiple submitters, no conflicts (2 of 4 stars). 7 submissions from 7 submitters: Benign (1); Likely benign (4). 2 of the submissions do not count toward it. Last evaluated 2026-02-01.

Conditions:
MOGS-congenital disorder of glycosylation. Also called: CDG 2B; CDG IIb; MOGS-CDG; GLUCOSIDASE I DEFICIENCY. Identifiers: Orphanet 79330, MedGen C1853736, MONDO:0011629, OMIM 606056.

Allele frequency attached by ClinVar (database versions not stated): 1000 Genomes Project 0.00040; 1000 Genomes Project 30x 0.00062; TOPMed 0.00082; gnomAD exomes 0.00085; gnomAD 0.00090 and 0.00093; ExAC 0.00223.
gnomAD v4.1: 2,003 of 1,442,906 alleles (0.14%); highest among the groups gnomAD compares: Non-Finnish European, 0.17%; 4 homozygotes.

Submissions (7):

Labcorp Genetics (formerly Invitae), Labcorp
Classification: Benign for MOGS-congenital disorder of glycosylation. Last evaluated: 2026-02-01. Review status: criteria provided, single submitter. Criteria: Invitae Variant Classification Sherloc (09022015). Collection method: clinical testing. Allele origin: germline.

CeGaT Center for Human Genetics Tuebingen
Classification: Likely benign. Last evaluated: 2025-08-01. Review status: criteria provided, single submitter. Criteria: CeGaT Center For Human Genetics Tuebingen Variant Classification Criteria Version 2. Collection method: clinical testing. Allele origin: germline. Affected: yes. Observed: 4 variant alleles.
Comment: MOGS: BP4, BP7

Blueprint Genetics
Classification: Likely benign. Last evaluated: 2024-11-20. Review status: criteria provided, single submitter. Criteria: ACMG Guidelines, 2015. Collection method: clinical testing. Allele origin: germline.

ARUP Laboratories, Molecular Genetics and Genomics, ARUP Laboratories
Classification: Likely benign for MOGS-congenital disorder of glycosylation. Last evaluated: 2024-03-04. Review status: criteria provided, single submitter. Criteria: ARUP Molecular Germline Variant Investigation Process 2024. Collection method: clinical testing. Allele origin: germline.

GeneDx
Classification: Likely benign. Last evaluated: 2018-02-16. Review status: criteria provided, single submitter. Criteria: GeneDx Variant Classification (06012015). Collection method: clinical testing. Allele origin: germline. Affected: yes.
Comment: This variant is considered likely benign or benign based on one or more of the following criteria: it is a conservative change, it occurs at a poorly conserved position in the protein, it is predicted to be benign by multiple in silico algorithms, and/or has population frequency not consistent with disease.

Clinical Genetics DNA and cytogenetics Diagnostics Lab, Erasmus MC, Erasmus Medical Center
Classification: Likely benign. Review status: no assertion criteria provided. Collection method: clinical testing. Allele origin: germline. Affected: yes. Study: VKGL Data-share Consensus. Not counted in ClinVar's aggregate classification.

Genome Diagnostics Laboratory, University Medical Center Utrecht
Classification: Likely benign. Review status: no assertion criteria provided. Collection method: clinical testing. Allele origin: germline. Affected: yes. Study: VKGL Data-share Consensus. Not counted in ClinVar's aggregate classification.